The following is an entry in ClinVar:

NM_005733.3(KIF20A):c.1220G>A (p.Cys407Tyr)

Gene: KIF20A (kinesin family member 20A; plus strand). Cytogenetic location: 5q31.2.
Variant type: single nucleotide variant.
Coding change: c.1220G>A on transcript NM_005733.3 (MANE Select); coding-DNA position 1220, G replaced by A.
Protein change: p.Cys407Tyr; replaces cysteine 407 with tyrosine.
Molecular consequence: missense variant.
Genome position (GRCh38, 1-based): chr5:138,183,973, G>A. VCF-style: chr5-138183973-G-A. GRCh37 (hg19) VCF-style: chr5-137519662-G-A.
Other names: short protein forms C407Y.
Identifiers: ClinVar variation 2020745 (VCV002020745.4), dbSNP rs1380047086, ClinGen allele CA361115418.

ClinVar aggregate classification (germline): Uncertain significance (1 of 4 stars; one submission).

Allele frequency attached by ClinVar (database versions not stated): gnomAD exomes below 0.00001.
gnomAD v4.1: 1 of 1,614,170 alleles (0.000062%); highest among the groups gnomAD compares: Non-Finnish European, 0.000085%; no homozygotes.

Submission:

Labcorp Genetics (formerly Invitae), Labcorp
Classification: Uncertain significance. Last evaluated: 2022-08-07. Review status: criteria provided, single submitter. Criteria: Invitae Variant Classification Sherloc (09022015). Collection method: clinical testing. Allele origin: germline.
Comment: In summary, the available evidence is currently insufficient to determine the role of this variant in disease. Therefore, it has been classified as a Variant of Uncertain Significance. Algorithms developed to predict the effect of missense changes on protein structure and function (SIFT, PolyPhen-2, Align-GVGD) all suggest that this variant is likely to be disruptive. This variant has not been reported in the literature in individuals affected with KIF20A-related conditions. This variant is present in population databases (no rsID available, gnomAD 0.006%). This sequence change replaces cysteine, which is neutral and slightly polar, with tyrosine, which is neutral and polar, at codon 407 of the KIF20A protein (p.Cys407Tyr).